The following is an entry in ClinVar:

ClinVar aggregate classification (germline): Uncertain significance. Review status: criteria provided, multiple submitters, no conflicts (2 of 4 stars). 2 submissions from 2 submitters: Uncertain significance (2). Last evaluated 2025-04-30.

Conditions:
Inborn genetic diseases. Identifiers: MedGen C0950123, MeSH D030342.

gnomAD v4.1: 2 of 1,614,212 alleles (0.00012%); highest among the groups gnomAD compares: East Asian, 0.0045%; no homozygotes.

Submissions (2):

Ambry Genetics
Classification: Uncertain significance for Inborn genetic diseases. Last evaluated: 2025-04-30. Review status: criteria provided, single submitter. Criteria: Ambry Variant Classification Scheme 2023. Collection method: clinical testing. Allele origin: germline.

Labcorp Genetics (formerly Invitae), Labcorp
Classification: Uncertain significance. Last evaluated: 2025-03-10. Review status: criteria provided, single submitter. Criteria: Invitae Variant Classification Sherloc (09022015). Collection method: clinical testing. Allele origin: germline.
Comment: This sequence change replaces proline, which is neutral and non-polar, with serine, which is neutral and polar, at codon 3183 of the KMT2A protein (p.Pro3183Ser). This variant is present in population databases (rs781903029, gnomAD 0.006%). This variant has not been reported in the literature in individuals affected with KMT2A-related conditions. Invitae Evidence Modeling of protein sequence and biophysical properties (such as structural, functional, and spatial information, amino acid conservation, physicochemical variation, residue mobility, and thermodynamic stability) indicates that this missense variant is not expected to disrupt KMT2A protein function with a negative predictive value of 95%. In summary, the available evidence is currently insufficient to determine the role of this variant in disease. Therefore, it has been classified as a Variant of Uncertain Significance.

NM_001197104.2(KMT2A):c.9547C>T (p.Pro3183Ser)

Gene: KMT2A (lysine methyltransferase 2A; plus strand). Cytogenetic location: 11q23.3.
Variant type: single nucleotide variant.
Coding change: c.9547C>T on transcript NM_001197104.2 (MANE Select); coding-DNA position 9547, C replaced by T.
Protein change: p.Pro3183Ser; replaces proline 3183 with serine.
Molecular consequence: missense variant.
Genome position (GRCh38, 1-based): chr11:118,505,439, C>T. VCF-style: chr11-118505439-C-T. GRCh37 (hg19) VCF-style: chr11-118376154-C-T.
Other names: c.9637C>T, p.Pro3213Ser (NM_001412597.1); c.9538C>T, p.Pro3180Ser (NM_005933.4); short protein forms P3180S, P3213S, P3183S.
Identifiers: ClinVar variation 4044423 (VCV004044423.2).